The following is an entry in ClinVar:

ClinVar aggregate classification (germline): Conflicting classifications of pathogenicity. Review status: criteria provided, conflicting classifications (1 of 4 stars). 2 submissions from 2 submitters: Uncertain significance (1); Likely benign (1). Last evaluated 2021-10-21.

Conditions:
Charcot-Marie-Tooth disease axonal type 2O. Also called: CHARCOT-MARIE-TOOTH NEUROPATHY, AXONAL, TYPE 2O; CHARCOT-MARIE-TOOTH DISEASE, AXONAL, AUTOSOMAL DOMINANT, TYPE 2O; Charcot-Marie-Tooth disease, axonal, type 20; Charcot-Marie-Tooth Neuropathy Type 2O. Identifiers: Orphanet 284232, MedGen C3280220, MONDO:0013644, OMIM 614228.

Allele frequency attached by ClinVar (database versions not stated): ExAC 0.00001; gnomAD exomes 0.00001; TOPMed 0.00001.
gnomAD v4.1: 3 of 1,613,938 alleles (0.00019%); highest among the groups gnomAD compares: East Asian, 0.0067%; no homozygotes.

Submissions (2):

Labcorp Genetics (formerly Invitae), Labcorp
Classification: Likely benign for Charcot-Marie-Tooth disease axonal type 2O. Last evaluated: 2021-10-21. Review status: criteria provided, single submitter. Criteria: Invitae Variant Classification Sherloc (09022015). Collection method: clinical testing. Allele origin: germline.

Baylor Genetics
Classification: Uncertain significance for Charcot-Marie-Tooth disease axonal type 2O. Last evaluated: 2018-01-24. Review status: criteria provided, single submitter. Criteria: ACMG Guidelines, 2015. Collection method: clinical testing. Allele origin: unknown. Affected: yes.
Comment: This variant was determined to be of uncertain significance according to ACMG Guidelines, 2015 [PMID:25741868].

NM_001376.5(DYNC1H1):c.12514-5A>G

Gene: DYNC1H1 (dynein cytoplasmic 1 heavy chain 1; plus strand). Cytogenetic location: 14q32.31.
Variant type: single nucleotide variant.
Coding change: c.12514-5A>G on transcript NM_001376.5 (MANE Select); 5 bases into the intron before coding-DNA position 12514, A replaced by G.
Molecular consequence: intron variant.
Genome position (GRCh38, 1-based): chr14:102,043,870, A>G. VCF-style: chr14-102043870-A-G. GRCh37 (hg19) VCF-style: chr14-102510207-A-G.
Identifiers: ClinVar variation 1033419 (VCV001033419.9), dbSNP rs774476953, ClinGen allele CA7353965.